The following is an entry in ClinVar:

NM_024503.5(HIVEP3):c.105C>A (p.Val35=)

Gene: HIVEP3 (HIVEP zinc finger 3; minus strand). Cytogenetic location: 1p34.2.
Variant type: single nucleotide variant.
Coding change: c.105C>A on transcript NM_024503.5 (MANE Select); coding-DNA position 105, C replaced by A.
Protein change: p.Val35=; no amino-acid change (valine 35 retained).
Molecular consequence: synonymous variant.
Genome position (GRCh38, 1-based): chr1:41,584,693, G>T on the plus strand (C>A on the coding strand, the complement: HIVEP3 is on the minus strand). VCF-style: chr1-41584693-G-T. GRCh37 (hg19) VCF-style: chr1-42050364-G-T.
Other names: c.105C>A, p.Val35= (NM_001127714.3); c.105C>A (NM_024503.4).
Identifiers: ClinVar variation 788506 (VCV000788506.7), dbSNP rs75202591, ClinGen allele CA798488.

ClinVar aggregate classification (germline): Benign. Review status: criteria provided, multiple submitters, no conflicts (2 of 4 stars). 3 submissions from 3 submitters: Benign (2). 1 of the submissions does not count toward it. Last evaluated 2019-12-31.

Conditions:
HIVEP3-related disorder. Also called: HIVEP3-related condition.

Allele frequency attached by ClinVar (database versions not stated): gnomAD exomes 0.00664; ExAC 0.00780; gnomAD 0.02328 and 0.02496; ESP Exome Variant Server 0.02453; TOPMed 0.02583; 1000 Genomes Project 0.02915; 1000 Genomes Project 30x 0.03061.
gnomAD v4.1: 6,792 of 1,572,144 alleles (0.43%); highest among the groups gnomAD compares: African/African-American, 8.3%; 251 homozygotes.

Submissions (3):

Labcorp Genetics (formerly Invitae), Labcorp
Classification: Benign. Last evaluated: 2019-12-31. Review status: criteria provided, single submitter. Criteria: Invitae Variant Classification Sherloc (09022015). Collection method: clinical testing. Allele origin: germline.

Breakthrough Genomics
Classification: Benign. Review status: criteria provided, single submitter. Criteria: ACMG Guidelines, 2015. Collection method: not provided. Allele origin: germline. Inheritance: Unknown mechanism. Affected: yes.

PreventionGenetics, part of Exact Sciences
Classification: Benign for HIVEP3-related condition. Last evaluated: 2019-03-04. Review status: no assertion criteria provided. Collection method: clinical testing. Allele origin: germline. Not counted in ClinVar's aggregate classification.
Comment: This variant is classified as benign based on ACMG/AMP sequence variant interpretation guidelines (Richards et al. 2015 PMID: 25741868, with internal and published modifications).